The following is an entry in ClinVar:

ClinVar aggregate classification (germline): Uncertain significance (1 of 4 stars; one submission).

Conditions:
RYR1-related disorder. Also called: RYR1-related condition; RYR1-related disorders. Identifiers: MedGen CN239331.

Submission:

Labcorp Genetics (formerly Invitae), Labcorp
Classification: Uncertain significance for RYR1-related disorder. Last evaluated: 2022-03-18. Review status: criteria provided, single submitter. Criteria: Invitae Variant Classification Sherloc (09022015). Collection method: clinical testing. Allele origin: germline.
Comment: This variant, c.12872_12874dup, results in the insertion of 1 amino acid(s) of the RYR1 protein (p.Ala4291dup), but otherwise preserves the integrity of the reading frame. The frequency data for this variant in the population databases is considered unreliable, as metrics indicate insufficient coverage at this position in the gnomAD database. This variant has not been reported in the literature in individuals affected with RYR1-related conditions. Experimental studies and prediction algorithms are not available or were not evaluated, and the functional significance of this variant is currently unknown. In summary, the available evidence is currently insufficient to determine the role of this variant in disease. Therefore, it has been classified as a Variant of Uncertain Significance.

NM_000540.3(RYR1):c.12863CGG[5] (p.Ala4291_Gly4292insAla)

Gene: RYR1 (ryanodine receptor 1; plus strand). Cytogenetic location: 19q13.2.
Variant type: Microsatellite.
Coding change: c.12863CGG[5] on transcript NM_000540.3 (MANE Select); five copies in a row of the 3-base unit CGG starting at c.12863; the reference has four copies in a row; one copy, 3 bases duplicated.
Protein change: p.Ala4291_Gly4292insAla.
Molecular consequence: inframe insertion.
Genome position (GRCh38, 1-based): chr19:38,565,206-38,565,208, CGG duplicated; duplicating any 3 consecutive bases within chr19:38,565,197-38,565,208 gives the same sequence; the position shown is the placement nearest the transcript's 3' end. VCF-style (leftmost placement, unchanged base first): chr19-38565196-A-ACGG. GRCh37 (hg19) VCF-style: chr19-39055836-A-ACGG.
Other names: c.12848CGG[5], p.Ala4286_Gly4287insAla (NM_001042723.2).
Identifiers: ClinVar variation 2063475 (VCV002063475.1), dbSNP rs1228854800, ClinGen allele CA882058555.